The following is an entry in ClinVar:

NM_001378122.1(SH3D19):c.2083-245G>A

Gene: SH3D19 (SH3 domain containing 19; minus strand). Cytogenetic location: 4q31.3.
Variant type: single nucleotide variant.
Coding change: c.2083-245G>A on transcript NM_001378122.1 (MANE Select); 245 bases into the intron before coding-DNA position 2083, G replaced by A.
Molecular consequence: intron variant.
Genome position (GRCh38, 1-based): chr4:151,144,295, C>T on the plus strand (G>A on the coding strand, the complement: SH3D19 is on the minus strand). VCF-style: chr4-151144295-C-T. GRCh37 (hg19) VCF-style: chr4-152065447-C-T.
Other names: c.1243-245G>A (NM_001378131.1, NM_001378128.1, NM_001243349.2 and 3 more transcripts); c.2083-7G>A (NM_001378121.1); c.1243-7G>A (NM_001378126.1, NM_001378127.1, NM_001009555.4); c.1906-7G>A (NM_001378123.1); c.1906-245G>A (NM_001378124.1); c.1135-245G>A (NM_001128924.2).
Identifiers: ClinVar variation 3035121 (VCV003035121.2), dbSNP rs183808788, ClinGen allele CA3104637.

ClinVar aggregate classification (germline): Likely benign (0 of 4 stars; one submission).

Conditions:
SH3D19-related disorder. Also called: SH3D19-related condition.

Allele frequency attached by ClinVar (database versions not stated): ExAC 0.00030; gnomAD exomes 0.00034; gnomAD 0.00058; TOPMed 0.00058; 1000 Genomes Project 0.00060; ESP Exome Variant Server 0.00069; 1000 Genomes Project 30x 0.00078.
gnomAD v4.1: 586 of 1,613,150 alleles (0.036%); highest among the groups gnomAD compares: African/African-American, 0.12%; no homozygotes.

Submission:

PreventionGenetics, part of Exact Sciences
Classification: Likely benign for SH3D19-related condition. Last evaluated: 2019-07-30. Review status: no assertion criteria provided. Collection method: clinical testing. Allele origin: germline.
Comment: This variant is classified as likely benign based on ACMG/AMP sequence variant interpretation guidelines (Richards et al. 2015 PMID: 25741868, with internal and published modifications).